The following is an entry in ClinVar:

ClinVar aggregate classification (germline): Likely benign. Review status: criteria provided, multiple submitters, no conflicts (2 of 4 stars). 3 submissions from 3 submitters: Likely benign (3). Last evaluated 2024-07-11.

Conditions:
Multiple mitochondrial dysfunctions syndrome 1 (MMDS1). Identifiers: Orphanet 401869, MedGen C3276432, MONDO:0011582, OMIM 605711.

Allele frequency attached by ClinVar (database versions not stated): gnomAD exomes 0.00001 and 0.00003; ExAC 0.00002; gnomAD 0.00013 and 0.00015; TOPMed 0.00014.
gnomAD v4.1: 32 of 1,565,652 alleles (0.002%); highest among the groups gnomAD compares: African/African-American, 0.041%; no homozygotes.

Submissions (3):

Labcorp Genetics (formerly Invitae), Labcorp
Classification: Likely benign for Multiple mitochondrial dysfunctions syndrome 1. Last evaluated: 2024-07-11. Review status: criteria provided, single submitter. Criteria: Invitae Variant Classification Sherloc (09022015). Collection method: clinical testing. Allele origin: germline.

Blueprint Genetics
Classification: Likely benign. Last evaluated: 2023-06-16. Review status: criteria provided, single submitter. Criteria: ACMG Guidelines, 2015. Collection method: clinical testing. Allele origin: germline.

GeneDx
Classification: Likely benign. Last evaluated: 2018-06-08. Review status: criteria provided, single submitter. Criteria: GeneDx Variant Classification (06012015). Collection method: clinical testing. Allele origin: germline. Affected: yes.
Comment: This variant is considered likely benign or benign based on one or more of the following criteria: it is a conservative change, it occurs at a poorly conserved position in the protein, it is predicted to be benign by multiple in silico algorithms, and/or has population frequency not consistent with disease.

NM_001002755.4(NFU1):c.545+9T>C

Gene: NFU1 (NFU1 iron-sulfur cluster scaffold; minus strand). Cytogenetic location: 2p13.3.
Variant type: single nucleotide variant.
Coding change: c.545+9T>C on transcript NM_001002755.4 (MANE Select); 9 bases into the intron after coding-DNA position 545, T replaced by C.
Molecular consequence: intron variant.
Genome position (GRCh38, 1-based): chr2:69,406,013, A>G on the plus strand (T>C on the coding strand, the complement: NFU1 is on the minus strand). VCF-style: chr2-69406013-A-G. GRCh37 (hg19) VCF-style: chr2-69633145-A-G.
Other names: c.473+9T>C (NM_015700.4, NM_001374284.1); c.122+9T>C (NM_001002756.2).
Identifiers: ClinVar variation 539328 (VCV000539328.9), dbSNP rs767405381, ClinGen allele CA1694139.
Genomic context (GRCh38, chr2:69,406,013, plus strand): 5'-AAAACTATATTGCTATAATGAAAAATGCCTCCAAAGCACTTGAATTCAGGTAGAGAGAGG[A>G]GCACGTACCGTATTCTAGTATCTAACAATTCCTTAATCATTGCCACAACTTCATCATCTT-3'